The following is an entry in ClinVar:

ClinVar aggregate classification (germline): Uncertain significance (1 of 4 stars; one submission).

gnomAD v4.1: 2 of 1,614,196 alleles (0.00012%); no homozygotes.

Submission:

Women's Health and Genetics/Laboratory Corporation of America, LabCorp
Classification: Uncertain significance. Last evaluated: 2026-01-13. Review status: criteria provided, single submitter. Criteria: LabCorp Variant Classification Summary - May 2015. Collection method: clinical testing. Allele origin: germline.
Comment: Variant summary: COL17A1 c.2281G>T (p.Gly761Trp) results in a non-conservative amino acid change in the encoded protein sequence. Algorithms developed to predict the effect of missense changes on protein structure and function all suggest that this variant is likely to be disruptive. The variant was absent in 251330 control chromosomes. The available data on variant occurrences in the general population are insufficient to allow any conclusion about variant significance. To our knowledge, no occurrence of c.2281G>T in individuals affected with COL17A1-related conditions and no experimental evidence demonstrating its impact on protein function have been reported. No submitters have cited clinical-significance assessments for this variant to ClinVar. Based on the evidence outlined above, the variant was classified as uncertain significance.

NM_000494.4(COL17A1):c.2281G>T (p.Gly761Trp)

Gene: COL17A1 (collagen type XVII alpha 1 chain; minus strand). Cytogenetic location: 10q25.1.
Variant type: single nucleotide variant.
Coding change: c.2281G>T on transcript NM_000494.4 (MANE Select); coding-DNA position 2281, G replaced by T.
Protein change: p.Gly761Trp; replaces glycine 761 with tryptophan.
Molecular consequence: missense variant.
Genome position (GRCh38, 1-based): chr10:104,047,793, C>A on the plus strand (G>T on the coding strand, the complement: COL17A1 is on the minus strand). VCF-style: chr10-104047793-C-A. GRCh37 (hg19) VCF-style: chr10-105807551-C-A.
Other names: short protein forms G761W.
Identifiers: ClinVar variation 4689445 (VCV004689445.1).